The following is an entry in ClinVar:

ClinVar aggregate classification (germline): Uncertain significance. Review status: criteria provided, multiple submitters, no conflicts (2 of 4 stars). 3 submissions from 3 submitters: Uncertain significance (2). 1 of the submissions does not count toward it. Last evaluated 2025-03-31.

Conditions:
KCNMA1-related disorder. Also called: KCNMA1-related disorders; KCNMA1-related condition.
Generalized epilepsy-paroxysmal dyskinesia syndrome (PNKD3). Also called: Paroxysmal nonkinesigenic dyskinesia, 3, with or without generalized epilepsy; Generalized epilepsy and paroxysmal dyskinesia. Identifiers: Orphanet 79137, MedGen C5574945, MONDO:0012276, OMIM 609446.

Submissions (3):

Labcorp Genetics (formerly Invitae), Labcorp
Classification: Uncertain significance for Generalized epilepsy-paroxysmal dyskinesia syndrome. Last evaluated: 2025-03-31. Review status: criteria provided, single submitter. Criteria: Invitae Variant Classification Sherloc (09022015). Collection method: clinical testing. Allele origin: germline.
Comment: This sequence change affects codon 643 of the KCNMA1 mRNA. It is a 'silent' change, meaning that it does not change the encoded amino acid sequence of the KCNMA1 protein. It affects a nucleotide within the consensus splice site. This variant is not present in population databases (gnomAD no frequency). This variant has not been reported in the literature in individuals affected with KCNMA1-related conditions. ClinVar contains an entry for this variant (Variation ID: 424955). Algorithms developed to predict the effect of sequence changes on RNA splicing suggest that this variant is not likely to affect RNA splicing. In summary, the available evidence is currently insufficient to determine the role of this variant in disease. Therefore, it has been classified as a Variant of Uncertain Significance.

CeGaT Center for Human Genetics Tuebingen
Classification: Uncertain significance. Last evaluated: 2016-10-31. Review status: criteria provided, single submitter. Criteria: Praxis fuer Humangenetik Tuebingen - Variant Classification Criteria. Collection method: clinical testing. Allele origin: germline. Affected: yes. Observed: 1 variant allele.

PreventionGenetics, part of Exact Sciences
Classification: Likely benign for KCNMA1-related condition. Last evaluated: 2021-10-22. Review status: no assertion criteria provided. Collection method: clinical testing. Allele origin: germline. Not counted in ClinVar's aggregate classification.
Comment: This variant is classified as likely benign based on ACMG/AMP sequence variant interpretation guidelines (Richards et al. 2015 PMID: 25741868, with internal and published modifications).

NM_001161352.2(KCNMA1):c.1929T>C (p.Arg643=)

Gene: KCNMA1 (potassium calcium-activated channel subfamily M alpha 1; minus strand). Cytogenetic location: 10q22.3.
Variant type: single nucleotide variant.
Coding change: c.1929T>C on transcript NM_001161352.2 (MANE Select); coding-DNA position 1929, T replaced by C.
Protein change: p.Arg643=; no amino-acid change (arginine 643 retained).
Molecular consequence: synonymous variant.
Genome position (GRCh38, 1-based): chr10:77,019,099, A>G on the plus strand (T>C on the coding strand, the complement: KCNMA1 is on the minus strand). VCF-style: chr10-77019099-A-G. GRCh37 (hg19) VCF-style: chr10-78778857-A-G.
Other names: c.1941T>C, p.Arg647= (NM_001014797.3, NM_001322830.2, NM_001322835.2 and 1 more transcripts); c.1929T>C, p.Arg643= (NM_001161353.2, NM_001271519.2, NM_001322829.2 and 3 more transcripts); c.1779T>C, p.Arg593= (NM_001271518.2); c.1389T>C, p.Arg463= (NM_001322838.2); c.1929T>C (NM_002247.3).
Identifiers: ClinVar variation 424955 (VCV000424955.10), dbSNP rs1064797145, ClinGen allele CA16621603.